The following is an entry in ClinVar:

NM_001378454.1(ALMS1):c.7498C>T (p.Leu2500Phe)

Gene: ALMS1 (ALMS1 centrosome and basal body associated protein; plus strand). Cytogenetic location: 2p13.1.
Variant type: single nucleotide variant.
Coding change: c.7498C>T on transcript NM_001378454.1 (MANE Select); coding-DNA position 7498, C replaced by T.
Protein change: p.Leu2500Phe; replaces leucine 2500 with phenylalanine.
Molecular consequence: missense variant.
Genome position (GRCh38, 1-based): chr2:73,454,025, C>T. VCF-style: chr2-73454025-C-T. GRCh37 (hg19) VCF-style: chr2-73681152-C-T.
Other names: c.7501C>T, p.Leu2501Phe (NM_015120.4); short protein forms L2500F, L2501F.
Identifiers: ClinVar variation 2564335 (VCV002564335.2), dbSNP rs1192591256, ClinGen allele CA347292601.

ClinVar aggregate classification (germline): Uncertain significance (1 of 4 stars; one submission).

Conditions:
Cardiovascular phenotype. Identifiers: MedGen CN230736.

Allele frequency attached by ClinVar (database versions not stated): gnomAD exomes below 0.00001; gnomAD 0.00002; TOPMed 0.00003.
gnomAD v4.1: 6 of 1,613,176 alleles (0.00037%); highest among the groups gnomAD compares: East Asian, 0.0045%; no homozygotes.

Submission:

Ambry Genetics
Classification: Uncertain significance for Cardiovascular phenotype. Last evaluated: 2023-05-04. Review status: criteria provided, single submitter. Criteria: Ambry Variant Classification Scheme 2023. Collection method: clinical testing. Allele origin: germline.
Comment: The p.L2501F variant (also known as c.7501C>T), located in coding exon 8 of the ALMS1 gene, results from a C to T substitution at nucleotide position 7501. The leucine at codon 2501 is replaced by phenylalanine, an amino acid with highly similar properties. This amino acid position is highly conserved in available vertebrate species. In addition, this alteration is predicted to be tolerated by in silico analysis. Since supporting evidence is limited at this time, the clinical significance of this alteration remains unclear.